The following is an entry in ClinVar:

NM_001271.4(CHD2):c.3938G>T (p.Arg1313Leu)

Gene: CHD2 (chromodomain helicase DNA binding protein 2; plus strand). Cytogenetic location: 15q26.1.
Variant type: single nucleotide variant.
Coding change: c.3938G>T on transcript NM_001271.4 (MANE Select); coding-DNA position 3938, G replaced by T.
Protein change: p.Arg1313Leu; replaces arginine 1313 with leucine.
Molecular consequence: missense variant.
Genome position (GRCh38, 1-based): chr15:92,998,551, G>T. VCF-style: chr15-92998551-G-T. GRCh37 (hg19) VCF-style: chr15-93541781-G-T.
Other names: short protein forms R1313L.
Identifiers: ClinVar variation 2814926 (VCV002814926.3), dbSNP rs1131692012, ClinGen allele CA393899436.
Genomic context (GRCh38, chr15:92,998,551, plus strand): 5'-TGTTGAAGATTCTGCCGGTGGAGACAGATAAAAAGCCTCAGGGGAAGCAGCTACAGACCC[G>T]AGCGGATTACTTGTTGAAGCTGCTCAGAAAGGGTCTGGAGAAGAAGGGGGCTGTGACAGG-3'
Protein context (NP_001262.3, residues 1303-1323): KKPQGKQLQT[Arg1313Leu]ADYLLKLLRK

ClinVar aggregate classification (germline): Uncertain significance (1 of 4 stars; one submission).

Conditions:
Developmental and epileptic encephalopathy 94 (DEE94). Also called: CHD2-Related Neurodevelopmental Disorders; Epileptic encephalopathy, childhood-onset. Identifiers: Orphanet 1942, Orphanet 2382, MedGen C3809278, MONDO:0014150, OMIM 615369.

Submission:

Labcorp Genetics (formerly Invitae), Labcorp
Classification: Uncertain significance for Developmental and epileptic encephalopathy 94. Last evaluated: 2022-11-24. Review status: criteria provided, single submitter. Criteria: Invitae Variant Classification Sherloc (09022015). Collection method: clinical testing. Allele origin: germline.
Comment: This sequence change replaces arginine, which is basic and polar, with leucine, which is neutral and non-polar, at codon 1313 of the CHD2 protein (p.Arg1313Leu). In summary, the available evidence is currently insufficient to determine the role of this variant in disease. Therefore, it has been classified as a Variant of Uncertain Significance. This variant disrupts the p.Arg1313 amino acid residue in CHD2. Other variant(s) that disrupt this residue have been determined to be pathogenic (Invitae). This suggests that this residue is clinically significant, and that variants that disrupt this residue are likely to be disease-causing. Advanced modeling of protein sequence and biophysical properties (such as structural, functional, and spatial information, amino acid conservation, physicochemical variation, residue mobility, and thermodynamic stability) has been performed at Invitae for this missense variant, however the output from this modeling did not meet the statistical confidence thresholds required to predict the impact of this variant on CHD2 protein function. This variant has not been reported in the literature in individuals affected with CHD2-related conditions. This variant is not present in population databases (gnomAD no frequency).